The following is an entry in ClinVar:

NM_000038.6(APC):c.1473C>G (p.Asp491Glu)

Gene: APC (APC regulator of Wnt signaling pathway; plus strand). Cytogenetic location: 5q22.2.
Variant type: single nucleotide variant.
Coding change: c.1473C>G on transcript NM_000038.6 (MANE Select); coding-DNA position 1473, C replaced by G.
Protein change: p.Asp491Glu; replaces aspartic acid 491 with glutamic acid.
Molecular consequence: missense variant.
Genome position (GRCh38, 1-based): chr5:112,827,172, C>G. VCF-style: chr5-112827172-C-G. GRCh37 (hg19) VCF-style: chr5-112162869-C-G.
Other names: c.1473C>G, p.Asp491Glu (NM_001127510.3, NM_001354895.2); c.1419C>G, p.Asp473Glu (NM_001127511.3); c.1527C>G, p.Asp509Glu (NM_001354896.2); c.1503C>G, p.Asp501Glu (NM_001354897.2); c.1398C>G, p.Asp466Glu (NM_001354898.2); c.1389C>G, p.Asp463Glu (NM_001354899.2); c.1350C>G, p.Asp450Glu (NM_001354900.2); c.1296C>G, p.Asp432Glu (NM_001354901.2); and 5 more; short protein forms D208E, D331E, D365E, D390E, D400E, D432E, D450E, D463E.
Identifiers: ClinVar variation 1051609 (VCV001051609.14), dbSNP rs2149809399, ClinGen allele CA16024531.

ClinVar aggregate classification (germline): Uncertain significance. Review status: criteria provided, multiple submitters, no conflicts (2 of 4 stars). 3 submissions from 3 submitters: Uncertain significance (3). Last evaluated 2025-05-27.

Conditions:
Classic or attenuated familial adenomatous polyposis. Identifiers: MedGen CN372698, MONDO:0021057.
Hereditary cancer-predisposing syndrome. Also called: Tumor predisposition; Hereditary neoplastic syndrome; Hereditary Cancer Syndrome; Neoplastic Syndromes, Hereditary. Identifiers: Orphanet 140162, MedGen C0027672, MeSH D009386, MONDO:0015356.
Familial adenomatous polyposis 1 (FAP1). Also called: POLYPOSIS, ADENOMATOUS INTESTINAL; FAMILIAL ADENOMATOUS POLYPOSIS 1, ATTENUATED. Identifiers: MedGen C2713442, MONDO:0021056, OMIM 175100. Disease mechanism: loss of function.

Submissions (3):

Ambry Genetics
Classification: Uncertain significance for Hereditary cancer-predisposing syndrome. Last evaluated: 2025-05-27. Review status: criteria provided, single submitter. Criteria: Ambry Variant Classification Scheme 2023. Collection method: clinical testing. Allele origin: germline.
Comment: The p.D491E variant (also known as c.1473C>G), located in coding exon 11 of the APC gene, results from a C to G substitution at nucleotide position 1473. The aspartic acid at codon 491 is replaced by glutamic acid, an amino acid with highly similar properties. This amino acid position is highly conserved in available vertebrate species. In addition, in silico predictors for this gene do not accurately predict pathogenicity. Missense alterations in APC are not a common cause of disease (Spier I et al. Genet Med. 2024 Feb;26(2):100992). Based on the available evidence, the clinical significance of this variant remains unclear.

Labcorp Genetics (formerly Invitae), Labcorp
Classification: Uncertain significance for Familial adenomatous polyposis 1. Last evaluated: 2023-06-04. Review status: criteria provided, single submitter. Criteria: Invitae Variant Classification Sherloc (09022015). Collection method: clinical testing. Allele origin: germline.
Comment: In summary, the available evidence is currently insufficient to determine the role of this variant in disease. Therefore, it has been classified as a Variant of Uncertain Significance. Advanced modeling of protein sequence and biophysical properties (such as structural, functional, and spatial information, amino acid conservation, physicochemical variation, residue mobility, and thermodynamic stability) performed at Invitae indicates that this missense variant is not expected to disrupt APC protein function. ClinVar contains an entry for this variant (Variation ID: 1051609). This variant has not been reported in the literature in individuals affected with APC-related conditions. This variant is not present in population databases (gnomAD no frequency). This sequence change replaces aspartic acid, which is acidic and polar, with glutamic acid, which is acidic and polar, at codon 491 of the APC protein (p.Asp491Glu).

All of Us Research Program, National Institutes of Health
Classification: Uncertain significance for Classic or attenuated familial adenomatous polyposis. Last evaluated: 2023-04-03. Review status: criteria provided, single submitter. Criteria: ACMG Guidelines, 2015. Collection method: clinical testing. Allele origin: germline. Inheritance: Autosomal dominant inheritance. Observed: 1 variant allele, 1 heterozygote.
Comment: This missense variant replaces aspartic acid with glutamic acid at codon 491 of the APC protein. Computational prediction is inconclusive regarding the impact of this variant on protein structure and function (internally defined REVEL score threshold 0.5 < inconclusive < 0.7, PMID: 27666373). To our knowledge, functional studies have not been reported for this variant. This variant has not been reported in individuals affected with APC-related disorders in the literature. This variant has not been identified in the general population by the Genome Aggregation Database (gnomAD). The available evidence is insufficient to determine the role of this variant in disease conclusively. Therefore, this variant is classified as a Variant of Uncertain Significance.

This study involves interpretation of variants in research participants for the purpose of population health screening. Participant phenotype was not available at the time of variant classification. Additional details can be found in publication PMID: 35346344, PMCID: PMC8962531